The following is an entry in ClinVar:

NM_001082971.2(DDC):c.115C>T (p.Arg39Trp)

Gene: DDC (dopa decarboxylase; minus strand). Cytogenetic location: 7p12.1.
Variant type: single nucleotide variant.
Coding change: c.115C>T on transcript NM_001082971.2 (MANE Select); coding-DNA position 115, C replaced by T.
Protein change: p.Arg39Trp; replaces arginine 39 with tryptophan.
Molecular consequence: missense variant.
Genome position (GRCh38, 1-based): chr7:50,543,971, G>A on the plus strand (C>T on the coding strand, the complement: DDC is on the minus strand). VCF-style: chr7-50543971-G-A. GRCh37 (hg19) VCF-style: chr7-50611669-G-A.
Other names: c.115C>T, p.Arg39Trp (NM_000790.4, NM_001242886.2, NM_001242887.2 and 3 more transcripts); short protein forms R39W.
Identifiers: ClinVar variation 420591 (VCV000420591.8), dbSNP rs151088825, ClinGen allele CA4262498.

ClinVar aggregate classification (germline): Uncertain significance. Review status: criteria provided, multiple submitters, no conflicts (2 of 4 stars). 3 submissions from 3 submitters: Uncertain significance (3). Last evaluated 2024-04-18.

Conditions:
Deficiency of aromatic-L-amino-acid decarboxylase. Also called: Aromatic amino acid decarboxylase deficiency; AADC DEFICIENCY; DDC DEFICIENCY; DOPA DECARBOXYLASE DEFICIENCY; Aromatic L-Amino Acid Decarboxylase Deficiency. Identifiers: Orphanet 35708, MedGen C1291564, MONDO:0012084, OMIM 608643.

Allele frequency attached by ClinVar (database versions not stated): TOPMed 0.00004.

Submissions (3):

Women's Health and Genetics/Laboratory Corporation of America, LabCorp
Classification: Uncertain significance. Last evaluated: 2024-04-18. Review status: criteria provided, single submitter. Criteria: LabCorp Variant Classification Summary - May 2015. Collection method: clinical testing. Allele origin: germline.
Comment: Variant summary: DDC c.115C>T (p.Arg39Trp) results in a non-conservative amino acid change in the encoded protein sequence. Four of five in-silico tools predict a damaging effect of the variant on protein function. The variant allele was found at a frequency of 1.6e-05 in 251478 control chromosomes. The available data on variant occurrences in the general population are insufficient to allow any conclusion about variant significance. To our knowledge, no occurrence of c.115C>T in individuals affected with Deficiency Of Aromatic-L-Amino-Acid Decarboxylase and no experimental evidence demonstrating its impact on protein function have been reported. The following publication have been ascertained in the context of this evaluation (PMID: 36427457). ClinVar contains an entry for this variant (Variation ID: 420591). Based on the evidence outlined above, the variant was classified as uncertain significance.

Labcorp Genetics (formerly Invitae), Labcorp
Classification: Uncertain significance for Deficiency of aromatic-L-amino-acid decarboxylase. Last evaluated: 2022-10-25. Review status: criteria provided, single submitter. Criteria: Invitae Variant Classification Sherloc (09022015). Collection method: clinical testing. Allele origin: germline.
Comment: This sequence change replaces arginine, which is basic and polar, with tryptophan, which is neutral and slightly polar, at codon 39 of the DDC protein (p.Arg39Trp). In summary, the available evidence is currently insufficient to determine the role of this variant in disease. Therefore, it has been classified as a Variant of Uncertain Significance. Algorithms developed to predict the effect of missense changes on protein structure and function (SIFT, PolyPhen-2, Align-GVGD) all suggest that this variant is likely to be disruptive. ClinVar contains an entry for this variant (Variation ID: 420591). This variant has not been reported in the literature in individuals affected with DDC-related conditions. This variant is present in population databases (rs151088825, gnomAD 0.004%).

GeneDx
Classification: Uncertain significance. Last evaluated: 2016-03-03. Review status: criteria provided, single submitter. Criteria: GeneDx Variant Classification (06012015). Collection method: clinical testing. Allele origin: germline. Affected: yes.
Comment: The R39W variant in the DDC gene has not been reported previously as a pathogenic variant, nor as a benign variant, to our knowledge. This variant was not observed in approximately 6500 individuals of European and African American ancestry in the NHLBI Exome Sequencing Project, indicating it is not a common benign variant in these populations. The R39W variant is a non-conservative amino acid substitution, which is likely to impact secondary protein structure as these residues differ in polarity, charge, size and/or other properties. This substitution occurs at a position that is conserved across species, and in silico analysis predicts this variant is probably damaging to the protein structure/function. We interpret R39W as a variant of uncertain significance.

Literature cited by the submitters: PubMed 36427457 (cited by Women's Health and Genetics/Laboratory Corporation of America, LabCorp).